The following is an entry in ClinVar:

NM_000059.4(BRCA2):c.1774T>G (p.Tyr592Asp)

Gene: BRCA2 (BRCA2 DNA repair associated; plus strand). Cytogenetic location: 13q13.1.
Variant type: single nucleotide variant.
Coding change: c.1774T>G on transcript NM_000059.4 (MANE Select); coding-DNA position 1774, T replaced by G.
Protein change: p.Tyr592Asp; replaces tyrosine 592 with aspartic acid.
Molecular consequence: missense variant. On other transcripts: non-coding transcript variant (1), intron variant (1).
Genome position (GRCh38, 1-based): chr13:32,333,252, T>G. VCF-style: chr13-32333252-T-G. GRCh37 (hg19) VCF-style: chr13-32907389-T-G.
Other names: c.1774T>G, p.Tyr592Asp (NM_001406719.1, NM_001406720.1, NM_001406721.1 and 1 more transcripts); c.424+2222T>G (NM_001406722.1); short protein forms Y592D.
Identifiers: ClinVar variation 3825473 (VCV003825473.1).

ClinVar aggregate classification (germline): Uncertain significance (1 of 4 stars; one submission).

Conditions:
Hereditary cancer-predisposing syndrome. Also called: Hereditary neoplastic syndrome; Neoplastic Syndromes, Hereditary; Tumor predisposition; Hereditary Cancer Syndrome. Identifiers: Orphanet 140162, MedGen C0027672, MeSH D009386, MONDO:0015356.

Submission:

Ambry Genetics
Classification: Uncertain significance for Hereditary cancer-predisposing syndrome. Last evaluated: 2025-02-19. Review status: criteria provided, single submitter. Criteria: Ambry Variant Classification Scheme 2023. Collection method: clinical testing. Allele origin: germline.
Comment: The p.Y592D variant (also known as c.1774T>G), located in coding exon 9 of the BRCA2 gene, results from a T to G substitution at nucleotide position 1774. The tyrosine at codon 592 is replaced by aspartic acid, an amino acid with highly dissimilar properties. This amino acid position is conserved. In addition, the in silico prediction for this alteration is inconclusive. Based on the available evidence, the clinical significance of this variant remains unclear.